The following is an entry in ClinVar:

NM_006231.4(POLE):c.2099_2100delinsG (p.Pro700fs)

Gene: POLE (DNA polymerase epsilon, catalytic subunit; minus strand). Cytogenetic location: 12q24.33.
Variant type: Indel.
Coding change: c.2099_2100delinsG on transcript NM_006231.4 (MANE Select); coding-DNA positions 2099 to 2100, CA replaced by G.
Protein change: p.Pro700fs; shifts the reading frame from proline 700.
Molecular consequence: frameshift variant.
Genome position (GRCh38, 1-based): chr12:132,668,429-132,668,430, TG replaced by C on the plus strand (CA replaced by G on the coding strand, the reverse complement: POLE is on the minus strand). VCF-style: chr12-132668429-TG-C. GRCh37 (hg19) VCF-style: chr12-133245015-TG-C.
Other names: short protein forms P700fs.
Identifiers: ClinVar variation 4841488 (VCV004841488.1).
Genomic context (GRCh38, chr12:132,668,429, plus strand): 5'-CTTCTCGTATTTCGCCTGTTCCTCGCGGGACAGTTCATGAAAGGCCCGAGCTGGCCCCTC[TG>C]GGAACAAGGGGGGGAACTTCTCTGACTCCAGCTGGTGCTGGATCCGATGGTATTCGCTGC-3'

ClinVar aggregate classification (germline): Uncertain significance (1 of 4 stars; one submission).

Conditions:
Hereditary cancer-predisposing syndrome. Also called: Neoplastic Syndromes, Hereditary; Tumor predisposition; Hereditary Cancer Syndrome; Hereditary neoplastic syndrome. Identifiers: Orphanet 140162, MedGen C0027672, MeSH D009386, MONDO:0015356.

Submission:

Ambry Genetics
Classification: Uncertain significance for Hereditary cancer-predisposing syndrome. Last evaluated: 2026-02-25. Review status: criteria provided, single submitter. Criteria: Ambry Variant Classification Scheme 2023. Collection method: clinical testing. Allele origin: germline.
Comment: The c.2099_2100delCAinsG variant, located in coding exon 19 of the POLE gene, results from the deletion of two nucleotides and insertion of one nucleotide causing a translational frameshift with a predicted alternate stop codon (p.P700Rfs*92). This alteration is expected to result in loss of function by premature protein truncation or nonsense-mediated mRNA decay. Although biallelic loss of function of POLE has been associated with autosomal recessive POLE deficiency, haploinsufficiency of POLE has not been established as a mechanism of disease for POLE-related polymerase proofreading-associated polyposis (PPAP) and POLE-related CMMRD-like syndrome. Based on the supporting evidence, this variant is expected to be causative of POLE deficiency when present along with a second pathogenic variant on the other allele; however, its clinical significance for PPAP and POLE-related CMMRD-like syndrome is unclear.